The following is an entry in ClinVar:

ClinVar aggregate classification (germline): Conflicting classifications of pathogenicity. Review status: criteria provided, conflicting classifications (1 of 4 stars). 5 submissions from 5 submitters: Uncertain significance (2); Likely benign (3). Last evaluated 2026-01-25.

Conditions:
Xeroderma pigmentosum, group F (XPF). Also called: XERODERMA PIGMENTOSUM, TYPE F; Xeroderma pigmentosum, type 6; XERODERMA PIGMENTOSUM, COMPLEMENTATION GROUP F; XERODERMA PIGMENTOSUM VI; XP, GROUP F; ERCC4-Related Xeroderma Pigmentosum. Identifiers: MedGen C0268140, MONDO:0010215, OMIM 278760.
Fanconi anemia complementation group Q. Identifiers: Orphanet 84, MedGen C3808988, MONDO:0014108, OMIM 615272.
Cockayne syndrome. Identifiers: Orphanet 191, MedGen C0009207, MONDO:0016006.
Xeroderma pigmentosum (XP). Identifiers: Orphanet 910, MedGen C0043346, MONDO:0019600.

Allele frequency attached by ClinVar (database versions not stated): gnomAD exomes 0.00009 and 0.00027; ExAC 0.00033; 1000 Genomes Project 30x 0.00062; 1000 Genomes Project 0.00080; ESP Exome Variant Server 0.00085; gnomAD 0.00096 and 0.00107; TOPMed 0.00126.
gnomAD v4.1: 286 of 1,613,246 alleles (0.018%); highest among the groups gnomAD compares: African/African-American, 0.33%; no homozygotes.

Submissions (5):

Labcorp Genetics (formerly Invitae), Labcorp
Classification: Likely benign for Fanconi anemia complementation group Q; Xeroderma pigmentosum, group F; Cockayne syndrome. Last evaluated: 2026-01-25. Review status: criteria provided, single submitter. Criteria: Invitae Variant Classification Sherloc (09022015). Collection method: clinical testing. Allele origin: germline.

Sema4
Classification: Uncertain significance for Xeroderma pigmentosum. Last evaluated: 2021-08-13. Review status: criteria provided, single submitter. Criteria: Sema4 Curation Guidelines. Collection method: curation. Allele origin: germline.
Comment: The ERCC4 c.325G>A (p.A109T) variant has been reported in at least one individual with pancreatic cancer (PMID: 28767289). It was observed in 75/24966 chromosomes of the African/African American subpopulation in the large and broad cohorts of the Genome Aggregation Database (PMID: 32461654). The variant has been reported in ClinVar (Variation ID 474205). Functional studies have not been performed, and in silico predictions of the variant's effect on protein function are inconclusive. The evidence is insufficient to meet ACMG/AMP criteria for classifying the variant as benign or pathogenic. Thus, the clinical significance of this variant is currently uncertain.

GeneDx
Classification: Likely benign. Last evaluated: 2021-02-22. Review status: criteria provided, single submitter. Criteria: GeneDx Variant Classification Process June 2021. Collection method: clinical testing. Allele origin: germline. Affected: yes.
Comment: This variant is associated with the following publications: (PMID: 28767289)

Genetic Services Laboratory, University of Chicago
Classification: Likely benign. Last evaluated: 2020-12-22. Review status: criteria provided, single submitter. Criteria: ACMG Guidelines, 2015. Collection method: clinical testing. Allele origin: germline. Affected: no.

Illumina Laboratory Services, Illumina
Classification: Uncertain significance for Xeroderma pigmentosum, group F. Last evaluated: 2018-01-13. Review status: criteria provided, single submitter. Criteria: ICSL Variant Classification Criteria 13 December 2019. Collection method: clinical testing. Allele origin: germline.

Literature cited by the submitters: PubMed 28767289 (cited by Sema4).

NM_005236.3(ERCC4):c.325G>A (p.Ala109Thr)

Gene: ERCC4 (ERCC excision repair 4, endonuclease catalytic subunit; plus strand). Cytogenetic location: 16p13.12.
Variant type: single nucleotide variant.
Coding change: c.325G>A on transcript NM_005236.3 (MANE Select); coding-DNA position 325, G replaced by A.
Protein change: p.Ala109Thr; replaces alanine 109 with threonine.
Molecular consequence: missense variant.
Genome position (GRCh38, 1-based): chr16:13,922,148, G>A. VCF-style: chr16-13922148-G-A. GRCh37 (hg19) VCF-style: chr16-14016005-G-A.
Other names: short protein forms A109T.
Identifiers: ClinVar variation 474205 (VCV000474205.21), dbSNP rs148791570, ClinGen allele CA7910153.